The following is an entry in ClinVar:

NM_005359.6(SMAD4):c.956-14T>C

Gene: SMAD4 (SMAD family member 4; plus strand). Cytogenetic location: 18q21.2.
Variant type: single nucleotide variant.
Coding change: c.956-14T>C on transcript NM_005359.6 (MANE Select); 14 bases into the intron before coding-DNA position 956, T replaced by C.
Molecular consequence: intron variant.
Genome position (GRCh38, 1-based): chr18:51,065,409, T>C. VCF-style: chr18-51065409-T-C. GRCh37 (hg19) VCF-style: chr18-48591779-T-C.
Other names: c.956-14T>C (NM_001407042.1, NM_001407041.1, NM_001407043.1).
Identifiers: ClinVar variation 2908114 (VCV002908114.4), dbSNP rs2144446174, ClinGen allele CA2739268754.

ClinVar aggregate classification (germline): Likely benign. Review status: criteria provided, multiple submitters, no conflicts (2 of 4 stars). 2 submissions from 2 submitters: Likely benign (2). Last evaluated 2025-03-20.

Conditions:
Juvenile polyposis syndrome (JPS). Identifiers: Orphanet 2929, MedGen C0345893, MONDO:0017380, OMIM 174900.
Juvenile polyposis/hereditary hemorrhagic telangiectasia syndrome (JPHT). Also called: JP/HHT SYNDROME; JUVENILE POLYPOSIS WITH HEREDITARY HEMORRHAGIC TELANGIECTASIA; POLYPOSIS, GENERALIZED JUVENILE, WITH PULMONARY ARTERIOVENOUS MALFORMATION; TELANGIECTASIA, HEREDITARY HEMORRHAGIC, WITH JUVENILE POLYPOSIS COLI; Juvenile Polyposis Syndrome / Hereditary Hemorrhagic Telangiectasia (JPS/HHT). Identifiers: Orphanet 2929, MedGen C1832942, MONDO:0008278, OMIM 175050.

Submissions (2):

Myriad Genetics, Inc.
Classification: Likely benign for Juvenile polyposis/hereditary hemorrhagic telangiectasia syndrome. Last evaluated: 2025-03-20. Review status: criteria provided, single submitter. Criteria: Myriad Autosomal Dominant, Autosomal Recessive and X-Linked Classification Criteria (2023). Collection method: clinical testing. Allele origin: unknown.
Comment: This variant is considered likely benign. This variant is intronic and is not expected to impact mRNA splicing.

Labcorp Genetics (formerly Invitae), Labcorp
Classification: Likely benign for Juvenile polyposis syndrome. Last evaluated: 2022-12-17. Review status: criteria provided, single submitter. Criteria: Invitae Variant Classification Sherloc (09022015). Collection method: clinical testing. Allele origin: germline.